The following is an entry in ClinVar:

ClinVar aggregate classification (germline): Uncertain significance (1 of 4 stars; one submission).

Conditions:
Retinitis pigmentosa 12 (RP12). Also called: RP WITH OR WITHOUT PRESERVED PARAARTERIOLE RETINAL PIGMENT EPITHELIUM; RETINITIS PIGMENTOSA WITH OR WITHOUT PARAARTERIOLAR PRESERVATION OF RETINAL PIGMENT EPITHELIUM; RP WITH OR WITHOUT PPRPE. Identifiers: Orphanet 791, MedGen C1838647, MONDO:0010818, OMIM 600105.
Leber congenital amaurosis 8 (LCA8). Identifiers: Orphanet 65, MedGen C3151202, MONDO:0013453, OMIM 613835.

Allele frequency attached by ClinVar (database versions not stated): gnomAD exomes below 0.00001 and 0.00001; gnomAD 0.00001; TOPMed 0.00004; ESP Exome Variant Server 0.00008.
gnomAD v4.1: 12 of 1,612,070 alleles (0.00074%); highest among the groups gnomAD compares: African/African-American, 0.0053%; no homozygotes.

Submission:

Labcorp Genetics (formerly Invitae), Labcorp
Classification: Uncertain significance for Leber congenital amaurosis 8; Retinitis pigmentosa 12. Last evaluated: 2022-07-26. Review status: criteria provided, single submitter. Criteria: Invitae Variant Classification Sherloc (09022015). Collection method: clinical testing. Allele origin: germline.
Comment: This sequence change replaces asparagine, which is neutral and polar, with serine, which is neutral and polar, at codon 5 of the CRB1 protein (p.Asn5Ser). This variant is present in population databases (rs139427846, gnomAD 0.0009%). This variant has not been reported in the literature in individuals affected with CRB1-related conditions. ClinVar contains an entry for this variant (Variation ID: 1423322). Advanced modeling of protein sequence and biophysical properties (such as structural, functional, and spatial information, amino acid conservation, physicochemical variation, residue mobility, and thermodynamic stability) performed at Invitae indicates that this missense variant is not expected to disrupt CRB1 protein function. In summary, the available evidence is currently insufficient to determine the role of this variant in disease. Therefore, it has been classified as a Variant of Uncertain Significance.

NM_201253.3(CRB1):c.14A>G (p.Asn5Ser)

Gene: CRB1 (crumbs cell polarity complex component 1; plus strand). Cytogenetic location: 1q31.3.
Variant type: single nucleotide variant.
Coding change: c.14A>G on transcript NM_201253.3 (MANE Select); coding-DNA position 14, A replaced by G.
Protein change: p.Asn5Ser; replaces asparagine 5 with serine.
Molecular consequence: missense variant. On other transcripts: non-coding transcript variant (2), intron variant (1).
Genome position (GRCh38, 1-based): chr1:197,268,426, A>G. VCF-style: chr1-197268426-A-G. GRCh37 (hg19) VCF-style: chr1-197237556-A-G.
Other names: c.14A>G, p.Asn5Ser (NM_001193640.2, NM_001257966.2); c.-212-34014A>G (NM_001257965.2); short protein forms N5S.
Identifiers: ClinVar variation 1423322 (VCV001423322.5), dbSNP rs139427846, ClinGen allele CA36039963.
Genomic context (GRCh38, chr1:197,268,426, plus strand): 5'-GACCAGACCACCAGCAACACACCAGAGGATGTTCTCTAAATAAGACCATGGCACTTAAGA[A>G]CATTAACTACCTTCTCATCTTCTACCTCAGTTTCTCACTGCTTATCTACATAAAAAGTAA-3'
Protein context (NP_957705.1, residues 1-15): MALK[Asn5Ser]INYLLIFYLS